The following is an entry in ClinVar:

ClinVar aggregate classification (germline): Likely pathogenic (1 of 4 stars; one submission).

gnomAD v4.1: 3 of 1,613,828 alleles (0.00019%); highest among the groups gnomAD compares: Non-Finnish European, 0.00025%; no homozygotes.

Submission:

Labcorp Genetics (formerly Invitae), Labcorp
Classification: Likely pathogenic. Last evaluated: 2025-07-20. Review status: criteria provided, single submitter. Criteria: Invitae Variant Classification Sherloc (09022015). Collection method: clinical testing. Allele origin: germline.
Comment: This sequence change affects an acceptor splice site in intron 18 of the HSPG2 gene. It is expected to disrupt RNA splicing. Variants that disrupt the donor or acceptor splice site typically lead to a loss of protein function (PMID: 16199547), and loss-of-function variants in HSPG2 are known to be pathogenic (PMID: 11279527, 16927315, 20542149, 23836246). This variant is not present in population databases (gnomAD no frequency). This variant has not been reported in the literature in individuals affected with HSPG2-related conditions. Algorithms developed to predict the effect of sequence changes on RNA splicing suggest that this variant may disrupt the consensus splice site. In summary, the currently available evidence indicates that the variant is pathogenic, but additional data are needed to prove that conclusively. Therefore, this variant has been classified as Likely Pathogenic.

Literature cited by the submitters: PubMed 16199547; PubMed 11279527; PubMed 16927315; PubMed 20542149; PubMed 23836246.

NM_005529.7(HSPG2):c.2472-2A>G

Gene: HSPG2 (heparan sulfate proteoglycan 2; minus strand). Cytogenetic location: 1p36.12.
Variant type: single nucleotide variant.
Coding change: c.2472-2A>G on transcript NM_005529.7 (MANE Select); the canonical splice acceptor site of the intron before coding-DNA position 2472, A replaced by G.
Molecular consequence: splice acceptor variant.
Genome position (GRCh38, 1-based): chr1:21,878,665, T>C on the plus strand (A>G on the coding strand, the complement: HSPG2 is on the minus strand). VCF-style: chr1-21878665-T-C. GRCh37 (hg19) VCF-style: chr1-22205158-T-C.
Other names: c.2475-2A>G (NM_001291860.2).
Identifiers: ClinVar variation 4780219 (VCV004780219.1).
Genomic context (GRCh38, chr1:21,878,665, plus strand): 5'-GGGCACAGGCGTCACATGTGGCTTGGCCATCCGTGTCCAGGAAGCAAGTGTCTGAGAATC[T>C]GCAGGTATCAAGTGGACAGGGCATGGGGCAGGGCTGGGGTCAGGCTTTCTCCTCCCACCC-3'